The following is an entry in ClinVar:

ClinVar aggregate classification (germline): Uncertain significance (1 of 4 stars; one submission).

Conditions:
Immunodeficiency 104. Also called: Severe Combined Immune Deficiency, Autosomal Recessive, TCell -Negative, B Cell-Positive, NK Cell-Positive, IL7R-Related; Severe combined immunodeficiency, autosomal recessive, T cell-negative, B cell-positive, NK cell-positive; SCID, AUTOSOMAL RECESSIVE, T CELL-NEGATIVE, B CELL-POSITIVE, NK CELL-POSITIVE; IMMUNODEFICIENCY 104, SEVERE COMBINED. Identifiers: MedGen C5676890, MONDO:0012163, OMIM 608971.

Submission:

Labcorp Genetics (formerly Invitae), Labcorp
Classification: Uncertain significance for Immunodeficiency 104. Last evaluated: 2022-05-11. Review status: criteria provided, single submitter. Criteria: Invitae Variant Classification Sherloc (09022015). Collection method: clinical testing. Allele origin: germline.
Comment: This variant is not present in population databases (gnomAD no frequency). This sequence change replaces glycine, which is neutral and non-polar, with glutamic acid, which is acidic and polar, at codon 701 of the PTPRC protein (p.Gly701Glu). This variant has not been reported in the literature in individuals affected with PTPRC-related conditions. In summary, the available evidence is currently insufficient to determine the role of this variant in disease. Therefore, it has been classified as a Variant of Uncertain Significance. Algorithms developed to predict the effect of missense changes on protein structure and function are either unavailable or do not agree on the potential impact of this missense change (SIFT: "Deleterious"; PolyPhen-2: "Probably Damaging"; Align-GVGD: "Class C0").

NM_002838.5(PTPRC):c.2102G>A (p.Gly701Glu)

Gene: PTPRC (protein tyrosine phosphatase receptor type C; plus strand). Cytogenetic location: 1q32.1.
Variant type: single nucleotide variant.
Coding change: c.2102G>A on transcript NM_002838.5 (MANE Select); coding-DNA position 2102, G replaced by A.
Protein change: p.Gly701Glu; replaces glycine 701 with glutamic acid.
Molecular consequence: missense variant.
Genome position (GRCh38, 1-based): chr1:198,732,516, G>A. VCF-style: chr1-198732516-G-A. GRCh37 (hg19) VCF-style: chr1-198701645-G-A.
Other names: c.1619G>A, p.Gly540Glu (NM_080921.4); short protein forms G540E, G701E.
Identifiers: ClinVar variation 1993037 (VCV001993037.4), dbSNP rs2527939230, ClinGen allele CA344046024.